The following is an entry in ClinVar:

NM_058216.3(RAD51C):c.875G>A (p.Arg292Lys)

Gene: RAD51C (RAD51 paralog C; plus strand). Cytogenetic location: 17q22.
Variant type: single nucleotide variant.
Coding change: c.875G>A on transcript NM_058216.3 (MANE Select); coding-DNA position 875, G replaced by A.
Protein change: p.Arg292Lys; replaces arginine 292 with lysine.
Molecular consequence: missense variant. On other transcripts: non-coding transcript variant (1).
Genome position (GRCh38, 1-based): chr17:58,720,783, G>A. VCF-style: chr17-58720783-G-A. GRCh37 (hg19) VCF-style: chr17-56798144-G-A.
Other names: c.*303G>A (NM_058217.1); short protein forms R292K.
Identifiers: ClinVar variation 1764570 (VCV001764570.8), dbSNP rs2143930978, ClinGen allele CA400359615.

ClinVar aggregate classification (germline): Conflicting classifications of pathogenicity. Review status: criteria provided, conflicting classifications (1 of 4 stars). 3 submissions from 3 submitters: Uncertain significance (2); Likely benign (1). Last evaluated 2024-09-16.

Conditions:
Breast-ovarian cancer, familial, susceptibility to, 3. Also called: RAD51C-Related Breast/Ovarian Cancer. Identifiers: Orphanet 145, MedGen C3150659, MONDO:0013253, OMIM 613399.
Fanconi anemia complementation group O. Also called: RAD51C-Related Fanconi Anemia. Identifiers: Orphanet 84, MedGen C3150653, MONDO:0013248, OMIM 613390.
Hereditary cancer-predisposing syndrome. Also called: Neoplastic Syndromes, Hereditary; Tumor predisposition; Hereditary neoplastic syndrome; Hereditary Cancer Syndrome. Identifiers: Orphanet 140162, MedGen C0027672, MeSH D009386, MONDO:0015356.

Submissions (3):

Labcorp Genetics (formerly Invitae), Labcorp
Classification: Uncertain significance for Fanconi anemia complementation group O. Last evaluated: 2024-09-16. Review status: criteria provided, single submitter. Criteria: Invitae Variant Classification Sherloc (09022015). Collection method: clinical testing. Allele origin: germline.
Comment: This sequence change replaces arginine, which is basic and polar, with lysine, which is basic and polar, at codon 292 of the RAD51C protein (p.Arg292Lys). This variant is not present in population databases (gnomAD no frequency). This variant has not been reported in the literature in individuals affected with RAD51C-related conditions. ClinVar contains an entry for this variant (Variation ID: 1764570). Invitae Evidence Modeling of protein sequence and biophysical properties (such as structural, functional, and spatial information, amino acid conservation, physicochemical variation, residue mobility, and thermodynamic stability) indicates that this missense variant is not expected to disrupt RAD51C protein function with a negative predictive value of 80%. In summary, the available evidence is currently insufficient to determine the role of this variant in disease. Therefore, it has been classified as a Variant of Uncertain Significance.

Baylor Genetics
Classification: Uncertain significance for Breast-ovarian cancer, familial, susceptibility to, 3. Last evaluated: 2023-06-02. Review status: criteria provided, single submitter. Criteria: ACMG Guidelines, 2015. Collection method: clinical testing. Allele origin: unknown.

Ambry Genetics
Classification: Likely benign for Hereditary cancer-predisposing syndrome. Last evaluated: 2021-07-25. Review status: criteria provided, single submitter. Criteria: Ambry Variant Classification Scheme 2023. Collection method: clinical testing. Allele origin: germline.